The following is an entry in ClinVar:

NC_000013.11:g.(?_48307274)_(48349029_?)del

Gene: RB1 (RB transcriptional corepressor 1; plus strand). Cytogenetic location: 13q14.2.
Variant type: Deletion.
Identifiers: ClinVar variation 458111 (VCV000458111.1).

ClinVar aggregate classification (germline): Pathogenic (1 of 4 stars; one submission).

Conditions:
Retinoblastoma (RB1). Also called: RETINOBLASTOMA, SOMATIC. Identifiers: Orphanet 790, MedGen C0035335, MeSH D012175, MONDO:0008380, OMIM 180200, HP:0009919. Disease mechanism: loss of function. Inheritance: Both sporadic and heritable forms are tested..

Submission:

Labcorp Genetics (formerly Invitae), Labcorp
Classification: Pathogenic for Retinoblastoma. Last evaluated: 2017-03-09. Review status: criteria provided, single submitter. Criteria: Invitae Variant Classification Sherloc (09022015). Collection method: clinical testing. Allele origin: germline.
Comment: This variant is an out-of-frame deletion of the genomic region encompassing exons 2-6 of the RB1 gene. This creates a premature translational stop signal and is expected to result in an absent or disrupted protein product. Loss-of-function variants in RB1 are known to be pathogenic. A similar deletion of exons 2-6 has been reported in the literature in an individual affected with retinoblastoma (PMID: 16127685). For these reasons, this variant has been classified as Pathogenic.